The following is an entry in ClinVar:

NM_182972.3(IRF2BP2):c.589A>G (p.Thr197Ala)

Gene: IRF2BP2 (interferon regulatory factor 2 binding protein 2; minus strand). Cytogenetic location: 1q42.3.
Variant type: single nucleotide variant.
Coding change: c.589A>G on transcript NM_182972.3 (MANE Select); coding-DNA position 589, A replaced by G.
Protein change: p.Thr197Ala; replaces threonine 197 with alanine.
Molecular consequence: missense variant.
Genome position (GRCh38, 1-based): chr1:234,608,906, T>C on the plus strand (A>G on the coding strand, the complement: IRF2BP2 is on the minus strand). VCF-style: chr1-234608906-T-C. GRCh37 (hg19) VCF-style: chr1-234744652-T-C.
Other names: c.589A>G, p.Thr197Ala (NM_001077397.1); short protein forms T197A.
Identifiers: ClinVar variation 2814917 (VCV002814917.3), dbSNP rs1235736756, ClinGen allele CA345309466.

ClinVar aggregate classification (germline): Uncertain significance (1 of 4 stars; one submission).

Submission:

Labcorp Genetics (formerly Invitae), Labcorp
Classification: Uncertain significance. Last evaluated: 2023-12-11. Review status: criteria provided, single submitter. Criteria: Invitae Variant Classification Sherloc (09022015). Collection method: clinical testing. Allele origin: germline.
Comment: This sequence change replaces threonine, which is neutral and polar, with alanine, which is neutral and non-polar, at codon 197 of the IRF2BP2 protein (p.Thr197Ala). This variant is not present in population databases (gnomAD no frequency). This variant has not been reported in the literature in individuals affected with IRF2BP2-related conditions. Algorithms developed to predict the effect of missense changes on protein structure and function output the following: SIFT: "Not Available"; PolyPhen-2: "Benign"; Align-GVGD: "Not Available". The alanine amino acid residue is found in multiple mammalian species, which suggests that this missense change does not adversely affect protein function. In summary, the available evidence is currently insufficient to determine the role of this variant in disease. Therefore, it has been classified as a Variant of Uncertain Significance.